The following is an entry in ClinVar:

NM_004715.5(CTDP1):c.669G>A (p.Thr223=)

Gene: CTDP1 (CTD phosphatase 1; plus strand). Cytogenetic location: 18q23.
Variant type: single nucleotide variant.
Coding change: c.669G>A on transcript NM_004715.5 (MANE Select); coding-DNA position 669, G replaced by A.
Protein change: p.Thr223=; no amino-acid change (threonine 223 retained).
Molecular consequence: synonymous variant.
Genome position (GRCh38, 1-based): chr18:79,704,814, G>A. VCF-style: chr18-79704814-G-A. GRCh37 (hg19) VCF-style: chr18-77464814-G-A.
Other names: c.312G>A, p.Thr104= (NM_001202504.1); c.669G>A, p.Thr223= (NM_001318511.2, NM_048368.4).
Identifiers: ClinVar variation 284647 (VCV000284647.51), dbSNP rs146831211, ClinGen allele CA9010061.
Genomic context (GRCh38, chr18:79,704,814, plus strand): 5'-CTATTCTTTTTAGGGCATCTTTCACTTCCAGCTGGGCCGGGGTGAGCCCATGCTGCACAC[G>A]CGCCTGCGTCCACACTGCAAGGACTTCCTGGAGAAGATCGCCAAGCTGTACGAGCTGCAC-3'
Protein context (NP_004706.3, residues 213-233): QLGRGEPMLH[Thr223=]RLRPHCKDFL

ClinVar aggregate classification (germline): Conflicting classifications of pathogenicity. Review status: criteria provided, conflicting classifications (1 of 4 stars). 5 submissions from 5 submitters: Uncertain significance (1); Likely benign (3). 1 of the submissions does not count toward it. Last evaluated 2026-05-01.

Conditions:
CTDP1-related disorder. Also called: CTDP1-related condition.

Allele frequency attached by ClinVar (database versions not stated): gnomAD 0.00017 and 0.00023; TOPMed 0.00020; gnomAD exomes 0.00025 and 0.00032; 1000 Genomes Project 30x 0.00031; ExAC 0.00035; ESP Exome Variant Server 0.00038; 1000 Genomes Project 0.00040.
gnomAD v4.1: 403 of 1,613,990 alleles (0.025%); highest among the groups gnomAD compares: Middle Eastern, 0.18%; 2 homozygotes.

Submissions (5):

CeGaT Center for Human Genetics Tuebingen
Classification: Likely benign. Last evaluated: 2026-05-01. Review status: criteria provided, single submitter. Criteria: CeGaT Center For Human Genetics Tuebingen Variant Classification Criteria Version 2. Collection method: clinical testing. Allele origin: germline. Affected: yes. Observed: 3 variant alleles.
Comment: CTDP1: BP4, BP7

Labcorp Genetics (formerly Invitae), Labcorp
Classification: Likely benign. Last evaluated: 2025-12-16. Review status: criteria provided, single submitter. Criteria: Invitae Variant Classification Sherloc (09022015). Collection method: clinical testing. Allele origin: germline.

Blueprint Genetics
Classification: Likely benign. Last evaluated: 2024-10-23. Review status: criteria provided, single submitter. Criteria: ACMG Guidelines, 2015. Collection method: clinical testing. Allele origin: germline.

Eurofins Ntd Llc (ga)
Classification: Uncertain significance. Last evaluated: 2015-11-19. Review status: criteria provided, single submitter. Criteria: EGL Classification Definitions 2015. Collection method: clinical testing. Allele origin: germline. Observed: 1 variant allele, 1 heterozygote.

PreventionGenetics, part of Exact Sciences
Classification: Likely benign for CTDP1-related condition. Last evaluated: 2019-07-01. Review status: no assertion criteria provided. Collection method: clinical testing. Allele origin: germline. Not counted in ClinVar's aggregate classification.
Comment: This variant is classified as likely benign based on ACMG/AMP sequence variant interpretation guidelines (Richards et al. 2015 PMID: 25741868, with internal and published modifications).